The following is an entry in ClinVar:

ClinVar aggregate classification (germline): Uncertain significance (1 of 4 stars; one submission).

Allele frequency attached by ClinVar (database versions not stated): gnomAD exomes below 0.00001.
gnomAD v4.1: 4 of 1,613,838 alleles (0.00025%); highest among the groups gnomAD compares: Non-Finnish European, 0.00017%; no homozygotes.

Submission:

Labcorp Genetics (formerly Invitae), Labcorp
Classification: Uncertain significance. Last evaluated: 2025-08-04. Review status: criteria provided, single submitter. Criteria: Invitae Variant Classification Sherloc (09022015). Collection method: clinical testing. Allele origin: germline.
Comment: This sequence change replaces glutamic acid, which is acidic and polar, with lysine, which is basic and polar, at codon 1720 of the VPS13A protein (p.Glu1720Lys). This variant is not present in population databases (gnomAD no frequency). This variant has not been reported in the literature in individuals affected with VPS13A-related conditions. ClinVar contains an entry for this variant (Variation ID: 1991523). Invitae Evidence Modeling of protein sequence and biophysical properties (such as structural, functional, and spatial information, amino acid conservation, physicochemical variation, residue mobility, and thermodynamic stability) indicates that this missense variant is not expected to disrupt VPS13A protein function with a negative predictive value of 80%. In summary, the available evidence is currently insufficient to determine the role of this variant in disease. Therefore, it has been classified as a Variant of Uncertain Significance.

NM_033305.3(VPS13A):c.5158G>A (p.Glu1720Lys)

Gene: VPS13A (vacuolar protein sorting 13 homolog A; plus strand). Cytogenetic location: 9q21.2.
Variant type: single nucleotide variant.
Coding change: c.5158G>A on transcript NM_033305.3 (MANE Select); coding-DNA position 5158, G replaced by A.
Protein change: p.Glu1720Lys; replaces glutamic acid 1720 with lysine.
Molecular consequence: missense variant.
Genome position (GRCh38, 1-based): chr9:77,318,436, G>A. VCF-style: chr9-77318436-G-A. GRCh37 (hg19) VCF-style: chr9-79933352-G-A.
Other names: c.5041G>A, p.Glu1681Lys (NM_001018037.2); c.5158G>A, p.Glu1720Lys (NM_001018038.3, NM_015186.4); short protein forms E1720K, E1681K.
Identifiers: ClinVar variation 1991523 (VCV001991523.2), dbSNP rs1564724229, ClinGen allele CA373859884.
Genomic context (GRCh38, chr9:77,318,436, plus strand): 5'-CTTGAAGAATCAAATGAAACTGAAAAAATAGCTCCCACAACTGAATTGGTACCCAAAGGC[G>A]AGATGATAAAAATGAACATTGATTCTATTTTTATAGTTCTTGAGGCTGGAATTGGTCATA-3'
Protein context (NP_150648.2, residues 1710-1730): APTTELVPKG[Glu1720Lys]MIKMNIDSIF